The following is an entry in ClinVar:

NM_002108.4(HAL):c.*1312C>T

Gene: HAL (histidine ammonia-lyase; minus strand). Cytogenetic location: 12q23.1.
Variant type: single nucleotide variant.
Coding change: c.*1312C>T on transcript NM_002108.4 (MANE Select); 1312 bases downstream of the stop codon, C replaced by T.
Molecular consequence: 3 prime UTR variant.
Genome position (GRCh38, 1-based): chr12:95,972,920, G>A on the plus strand (C>T on the coding strand, the complement: HAL is on the minus strand). VCF-style: chr12-95972920-G-A. GRCh37 (hg19) VCF-style: chr12-96366698-G-A.
Other names: c.*1312C>T (NM_001258333.2); c.*1440C>T (NM_001258334.2).
Identifiers: ClinVar variation 310677 (VCV000310677.6), dbSNP rs1059845, ClinGen allele CA10638817.
Genomic context (GRCh38, chr12:95,972,920, plus strand): 5'-AATGGCAGCCCACGGATGACAATGCACAAACCTCATTTGTGTGTGTTCACATTTTGACAA[G>A]GAATAGCACCAAGAACAACCTTTAGGTAAACAGTCTCCTCAGCACATTTTTTGCTCCCTG-3'

ClinVar aggregate classification (germline): Benign. Review status: criteria provided, multiple submitters, no conflicts (2 of 4 stars). 2 submissions from 2 submitters: Benign (2). Last evaluated 2018-01-12.

Conditions:
Histidinemia. Also called: Hyperhistidinemia; Deficiency of histidine ammonia-lyase; HAL DEFICIENCY; HIS DEFICIENCY; HISTIDASE DEFICIENCY; HISTIDINE AMMONIA-LYASE DEFICIENCY. Identifiers: Orphanet 2157, MedGen C0220992, MONDO:0009345, OMIM 235800, HP:0010906.

Allele frequency attached by ClinVar (database versions not stated): 1000 Genomes Project 30x 0.35009; 1000 Genomes Project 0.35244; TOPMed 0.35389; gnomAD exomes 0.37500.
gnomAD v4.1: 53,556 of 152,134 alleles (35%); highest among the groups gnomAD compares: Admixed American, 50%; 10,668 homozygotes.

Submissions (2):

Illumina Laboratory Services, Illumina
Classification: Benign for Histidinemia. Last evaluated: 2018-01-12. Review status: criteria provided, single submitter. Criteria: ICSL Variant Classification Criteria 13 December 2019. Collection method: clinical testing. Allele origin: germline.
Comment: This variant was observed in the ICSL laboratory as part of a predisposition screen in an ostensibly healthy population. It had not been previously curated by ICSL or reported in the Human Gene Mutation Database (HGMD: prior to June 1st, 2018), and was therefore a candidate for classification through an automated scoring system. Utilizing variant allele frequency, disease prevalence and penetrance estimates, and inheritance mode, an automated score was calculated to assess if this variant is too frequent to cause the disease. Based on the score and internal cut-off values, a variant classified as benign is not then subjected to further curation. The score for this variant resulted in a classification of benign for this disease.

Breakthrough Genomics
Classification: Benign. Review status: criteria provided, single submitter. Criteria: ACMG Guidelines, 2015. Collection method: not provided. Allele origin: germline. Inheritance: Autosomal recessive inheritance. Affected: yes.